The following is an entry in ClinVar:

ClinVar aggregate classification (germline): Likely benign (1 of 4 stars; one submission).

Allele frequency attached by ClinVar (database versions not stated): TOPMed 0.00001.
gnomAD v4.1: 3 of 1,614,078 alleles (0.00019%); highest among the groups gnomAD compares: Non-Finnish European, 0.00025%; no homozygotes.

Submission:

CeGaT Center for Human Genetics Tuebingen
Classification: Likely benign. Last evaluated: 2022-10-01. Review status: criteria provided, single submitter. Criteria: CeGaT Center For Human Genetics Tuebingen Variant Classification Criteria Version 2. Collection method: clinical testing. Allele origin: germline. Affected: yes. Observed: 1 variant allele.
Comment: FAT2: BP4, BP7

NM_001447.3(FAT2):c.6780C>G (p.Val2260=)

Genes: FAT2 (FAT atypical cadherin 2; minus strand), SLC36A1 (solute carrier family 36 member 1; plus strand). Cytogenetic location: 5q33.1.
Variant type: single nucleotide variant.
Coding change: c.6780C>G on transcript NM_001447.3 (MANE Select); coding-DNA position 6780, C replaced by G.
Protein change: p.Val2260=; no amino-acid change (valine 2260 retained).
Molecular consequence: synonymous variant.
Genome position (GRCh38, 1-based): chr5:151,544,347, G>C on the plus strand (C>G on the coding strand, the complement: FAT2 is on the minus strand). VCF-style: chr5-151544347-G-C. GRCh37 (hg19) VCF-style: chr5-150923908-G-C.
Identifiers: ClinVar variation 2655959 (VCV002655959.24), dbSNP rs750217884, ClinGen allele CA447416845.
Genomic context (GRCh38, chr5:151,544,347, plus strand): 5'-GGAAGTGGTATAGACCAATTGGGAAAAAGTGGGAGGGTTATCATTGACATCCTCCACTAG[G>C]ACTTCCACTGTGGCTTCAGAAAATGACCCCAGAGCTGTATCCGTGGCTCTGACTGTGAAC-3'
Protein context (NP_001438.1, residues 2250-2270): LGSFSEATVE[Val2260=]LVEDVNDNPP